The following is an entry in ClinVar:

NM_021625.5(TRPV4):c.797C>A (p.Ala266Asp)

Gene: TRPV4 (transient receptor potential cation channel subfamily V member 4; minus strand). Cytogenetic location: 12q24.11.
Variant type: single nucleotide variant.
Coding change: c.797C>A on transcript NM_021625.5 (MANE Select); coding-DNA position 797, C replaced by A.
Protein change: p.Ala266Asp; replaces alanine 266 with aspartic acid.
Molecular consequence: missense variant. On other transcripts: intron variant (2).
Genome position (GRCh38, 1-based): chr12:109,800,674, G>T on the plus strand (C>A on the coding strand, the complement: TRPV4 is on the minus strand). VCF-style: chr12-109800674-G-T. GRCh37 (hg19) VCF-style: chr12-110238479-G-T.
Other names: c.695C>A, p.Ala232Asp (NM_001177431.2); c.797C>A, p.Ala266Asp (NM_147204.3); c.713-1762C>A (NM_001177433.1, NM_001177428.1); short protein forms A232D, A266D.
Identifiers: ClinVar variation 3658186 (VCV003658186.2).

ClinVar aggregate classification (germline): Uncertain significance (1 of 4 stars; one submission).

Conditions:
Charcot-Marie-Tooth disease axonal type 2C (HMSN2C). Also called: CHARCOT-MARIE-TOOTH DISEASE, AXONAL, AUTOSOMAL DOMINANT, TYPE 2C; Charcot-Marie-Tooth Neuropathy Type 2C; Charcot-Marie-Tooth Disease Type 2, TRPV4-Related (CMT2C). Identifiers: Orphanet 99937, MedGen C1853710, MONDO:0011633, OMIM 606071.

Submission:

Labcorp Genetics (formerly Invitae), Labcorp
Classification: Uncertain significance for Charcot-Marie-Tooth disease axonal type 2C. Last evaluated: 2024-05-16. Review status: criteria provided, single submitter. Criteria: Invitae Variant Classification Sherloc (09022015). Collection method: clinical testing. Allele origin: germline.
Comment: This sequence change replaces alanine, which is neutral and non-polar, with aspartic acid, which is acidic and polar, at codon 266 of the TRPV4 protein (p.Ala266Asp). This variant is not present in population databases (gnomAD no frequency). This variant has not been reported in the literature in individuals affected with TRPV4-related conditions. Advanced modeling of protein sequence and biophysical properties (such as structural, functional, and spatial information, amino acid conservation, physicochemical variation, residue mobility, and thermodynamic stability) has been performed at Invitae for this missense variant, however the output from this modeling did not meet the statistical confidence thresholds required to predict the impact of this variant on TRPV4 protein function. In summary, the available evidence is currently insufficient to determine the role of this variant in disease. Therefore, it has been classified as a Variant of Uncertain Significance.